The following is an entry in ClinVar:

ClinVar aggregate classification (germline): Conflicting classifications of pathogenicity. Review status: criteria provided, conflicting classifications (1 of 4 stars). 5 submissions from 5 submitters: Uncertain significance (3); Likely benign (2). Last evaluated 2025-12-19.

Conditions:
Frontometaphyseal dysplasia (FMD1). Identifiers: Orphanet 1826, MedGen C0265293, MONDO:0015942.
Heterotopia, periventricular, X-linked dominant (PVNH1). Also called: PERIVENTRICULAR NODULAR HETEROTOPIA 4; HETEROTOPIA, PERIVENTRICULAR, 1; PERIVENTRICULAR NODULAR HETEROTOPIA 1; X-linked periventricular heterotopia. Identifiers: Orphanet 2149, Orphanet 82004, MedGen C1848213, MONDO:0010233, OMIM 300049.
Oto-palato-digital syndrome, type II (OPD2). Also called: Otopalatodigital Syndrome Type 2 (FLNA-OPD2); FACIOPALATOOSSEOUS SYNDROME; Otopalatodigital Syndrome, Type II; OPD II SYNDROME. Identifiers: Orphanet 669, Orphanet 90652, MedGen C1844696, MONDO:0010571, OMIM 304120.
Melnick-Needles syndrome (MNS). Also called: Melnick-Needles Syndrome (FLNA-MNS); MELNICK-NEEDLES OSTEODYSPLASTY; OSTEODYSPLASTY OF MELNICK AND NEEDLES. Identifiers: Orphanet 2484, MedGen C0025237, MONDO:0010650, OMIM 309350.
Familial thoracic aortic aneurysm and aortic dissection (TAAD). Also called: Thoracic aortic aneurysms and dissections. Identifiers: Orphanet 91387, MedGen C4707243, MONDO:0019625.

Allele frequency attached by ClinVar (database versions not stated): ExAC 0.00001; gnomAD exomes 0.00001; gnomAD 0.00002; TOPMed 0.00002.
gnomAD v4.1: 10 of 1,209,385 alleles (0.00083%); highest among the groups gnomAD compares: Non-Finnish European, 0.0011%; no homozygotes.

Submissions (5):

Labcorp Genetics (formerly Invitae), Labcorp
Classification: Likely benign for Oto-palato-digital syndrome, type II; Heterotopia, periventricular, X-linked dominant; Frontometaphyseal dysplasia; Melnick-Needles syndrome. Last evaluated: 2025-12-19. Review status: criteria provided, single submitter. Criteria: Invitae Variant Classification Sherloc (09022015). Collection method: clinical testing. Allele origin: germline.

Ambry Genetics
Classification: Uncertain significance for Familial thoracic aortic aneurysm and aortic dissection. Last evaluated: 2025-10-01. Review status: criteria provided, single submitter. Criteria: Ambry Variant Classification Scheme 2023. Collection method: clinical testing. Allele origin: germline.
Comment: The p.V2412A variant (also known as c.7235T>C), located in coding exon 43 of the FLNA gene, results from a T to C substitution at nucleotide position 7235. The valine at codon 2412 is replaced by alanine, an amino acid with similar properties. Based on data from gnomAD, the C allele has an overall frequency of 0.0006% (1/181729 ) total alleles studied, with 1 hemizygote(s) observed. The highest observed frequency was 0.0012% (1/81452) of European (non-Finnish) alleles. This amino acid position is highly conserved in available vertebrate species. In addition, this alteration is predicted to be deleterious by in silico analysis. Since supporting evidence is limited at this time, the clinical significance of this alteration remains unclear.

Women's Health and Genetics/Laboratory Corporation of America, LabCorp
Classification: Uncertain significance. Last evaluated: 2023-07-21. Review status: criteria provided, single submitter. Criteria: LabCorp Variant Classification Summary - May 2015. Collection method: clinical testing. Allele origin: germline.

Blueprint Genetics
Classification: Likely benign. Last evaluated: 2022-07-18. Review status: criteria provided, single submitter. Criteria: ACMG Guidelines, 2015. Collection method: clinical testing. Allele origin: germline.

Eurofins Ntd Llc (ga)
Classification: Uncertain significance. Last evaluated: 2017-01-17. Review status: criteria provided, single submitter. Criteria: EGL Classification Definitions 2015. Collection method: clinical testing. Allele origin: germline. Observed: 1 variant allele, 1 heterozygote.

NM_001110556.2(FLNA):c.7259T>C (p.Val2420Ala)

Gene: FLNA (filamin A; minus strand). Cytogenetic location: Xq28.
Variant type: single nucleotide variant.
Coding change: c.7259T>C on transcript NM_001110556.2 (MANE Select); coding-DNA position 7259, T replaced by C.
Protein change: p.Val2420Ala; replaces valine 2420 with alanine.
Molecular consequence: missense variant.
Genome position (GRCh38, 1-based): chrX:154,350,105, A>G on the plus strand (T>C on the coding strand, the complement: FLNA is on the minus strand). VCF-style: chrX-154350105-A-G. GRCh37 (hg19) VCF-style: chrX-153578473-A-G.
Other names: c.7235T>C, p.Val2412Ala (NM_001456.4); short protein forms V2412A, V2420A.
Identifiers: ClinVar variation 498894 (VCV000498894.20), dbSNP rs782289803, ClinGen allele CA10559929.
Genomic context (GRCh38, chrX:154,350,105, plus strand): 5'-TCCAGACCTGCTCCGTAAGCAGACACCAAGCCTGGGTCCCCTCCATGCCCAGGCTCCCCA[A>G]CTCGGATCTTGAAGGGGCTTCCAGGGATGTGGGTGCCGTTGAACTTGACGTCAATCAGGT-3'
Protein context (NP_001104026.1, residues 2410-2430): HIPGSPFKIR[Val2420Ala]GEPGHGGDPG